The following is an entry in ClinVar:

ClinVar aggregate classification (germline): Conflicting classifications of pathogenicity. Review status: criteria provided, conflicting classifications (1 of 4 stars). 3 submissions from 3 submitters: Uncertain significance (2); Likely benign (1). Last evaluated 2024-05-30.

Conditions:
Arrhythmogenic cardiomyopathy with wooly hair and keratoderma. Also called: Arrhythmogenic cardiomyopathy with woolly hair and keratoderma; Carvajal syndrome; Dilated cardiomyopathy with woolly hair and keratoderma; PALMOPLANTAR KERATODERMA WITH LEFT VENTRICULAR CARDIOMYOPATHY AND WOOLLY HAIR. Identifiers: Orphanet 65282, MedGen C1854063, MONDO:0011581, OMIM 605676.
Arrhythmogenic right ventricular dysplasia 8 (ARVD8). Also called: ARRHYTHMOGENIC RIGHT VENTRICULAR DYSPLASIA, FAMILIAL, 8; Arrhythmogenic Right Ventricular Dysplasia/Cardiomyopathy 8; ARRHYTHMOGENIC RIGHT VENTRICULAR CARDIOMYOPATHY 8. Identifiers: MedGen C1843896, MONDO:0011831, OMIM 607450.
Cardiomyopathy (CMYO). Also called: Cardiomyopathies. Identifiers: Orphanet 167848, MedGen C0878544, MONDO:0004994, HP:0001638. Inheritance: Various modes of inheritance.

Allele frequency attached by ClinVar (database versions not stated): TOPMed below 0.00001; ExAC 0.00002.
gnomAD v4.1: 2 of 1,614,132 alleles (0.00012%); highest among the groups gnomAD compares: Admixed American, 0.0017%; no homozygotes.

Submissions (3):

All of Us Research Program, National Institutes of Health
Classification: Uncertain significance for Arrhythmogenic cardiomyopathy with wooly hair and keratoderma. Last evaluated: 2024-05-30. Review status: criteria provided, single submitter. Criteria: ACMG Guidelines, 2015. Collection method: clinical testing. Allele origin: germline. Inheritance: Autosomal dominant inheritance. Observed: 3 variant alleles, 3 heterozygotes.
Comment: This missense variant replaces leucine with serine at codon 1991 of the DSP protein. Computational prediction suggests that this variant may not impact protein structure and function (internally defined REVEL score threshold <= 0.5, PMID: 27666373). To our knowledge, functional studies have not been reported for this variant. This variant has not been reported in individuals affected with DSP-related disorders in the literature. This variant has been identified in 2/251432 chromosomes in the general population by the Genome Aggregation Database (gnomAD). The available evidence is insufficient to determine the role of this variant in disease conclusively. Therefore, this variant is classified as a Variant of Uncertain Significance.

This study involves interpretation of variants in research participants for the purpose of population health screening. Participant phenotype was not available at the time of variant classification. Additional details can be found in publication PMID: 35346344, PMCID: PMC8962531

Color Diagnostics, LLC DBA Color Health
Classification: Uncertain significance for Cardiomyopathy. Last evaluated: 2024-01-31. Review status: criteria provided, single submitter. Criteria: ACMG Guidelines, 2015. Collection method: clinical testing. Allele origin: germline.
Comment: This missense variant replaces leucine with serine at codon 1991 of the DSP protein. Computational prediction suggests that this variant may not impact protein structure and function. To our knowledge, functional studies have not been reported for this variant. This variant has not been reported in individuals affected with DSP-related disorders in the literature. This variant has been identified in 2/251432 chromosomes in the general population by the Genome Aggregation Database (gnomAD). The available evidence is insufficient to determine the role of this variant in disease conclusively. Therefore, this variant is classified as a Variant of Uncertain Significance.

Labcorp Genetics (formerly Invitae), Labcorp
Classification: Likely benign for Arrhythmogenic cardiomyopathy with wooly hair and keratoderma; Arrhythmogenic right ventricular dysplasia 8. Last evaluated: 2023-10-14. Review status: criteria provided, single submitter. Criteria: Invitae Variant Classification Sherloc (09022015). Collection method: clinical testing. Allele origin: germline.

NM_004415.4(DSP):c.5972T>C (p.Leu1991Ser)

Gene: DSP (desmoplakin; plus strand). Cytogenetic location: 6p24.3.
Variant type: single nucleotide variant.
Coding change: c.5972T>C on transcript NM_004415.4 (MANE Select); coding-DNA position 5972, T replaced by C.
Protein change: p.Leu1991Ser; replaces leucine 1991 with serine.
Molecular consequence: missense variant.
Genome position (GRCh38, 1-based): chr6:7,583,234, T>C. VCF-style: chr6-7583234-T-C. GRCh37 (hg19) VCF-style: chr6-7583467-T-C.
Other names: c.4175T>C, p.Leu1392Ser (NM_001008844.3); c.4643T>C, p.Leu1548Ser (NM_001319034.2); short protein forms L1392S, L1548S, L1991S.
Identifiers: ClinVar variation 2418079 (VCV002418079.12), dbSNP rs760548186, ClinGen allele CA046258.